The following is an entry in ClinVar:

ClinVar aggregate classification (germline): Pathogenic/Likely pathogenic. Review status: criteria provided, multiple submitters, no conflicts (2 of 4 stars). 2 submissions from 2 submitters: Pathogenic (1); Likely pathogenic (1). Last evaluated 2026-09-26.

Conditions:
PCNT-related disorder. Also called: PCNT-related condition.

Submissions (2):

PreventionGenetics, part of Exact Sciences
Classification: Likely pathogenic for PCNT-related condition. Last evaluated: 2026-09-26. Review status: criteria provided, single submitter. Criteria: ACMG Guidelines, 2015. Collection method: clinical testing. Allele origin: germline.
Comment: The PCNT c.3225dupT variant is predicted to result in a frameshift and premature protein termination (p.Gln1076Serfs*118). To our knowledge, this variant has not been reported in the literature or in a large population database (gnomAD), indicating it is rare. Frameshift variants in PCNT are expected to be pathogenic. This variant is interpreted as likely pathogenic.

Labcorp Genetics (formerly Invitae), Labcorp
Classification: Pathogenic. Last evaluated: 2023-09-12. Review status: criteria provided, single submitter. Criteria: Invitae Variant Classification Sherloc (09022015). Collection method: clinical testing. Allele origin: germline.
Comment: For these reasons, this variant has been classified as Pathogenic. This variant has not been reported in the literature in individuals affected with PCNT-related conditions. This variant is not present in population databases (gnomAD no frequency). This sequence change creates a premature translational stop signal (p.Gln1076Serfs*118) in the PCNT gene. It is expected to result in an absent or disrupted protein product. Loss-of-function variants in PCNT are known to be pathogenic (PMID: 18174396, 22821869).

Literature cited by the submitters: PubMed 18174396 (cited by Labcorp Genetics (formerly Invitae), Labcorp); PubMed 22821869 (cited by Labcorp Genetics (formerly Invitae), Labcorp).

NM_006031.6(PCNT):c.3225dup (p.Gln1076fs)

Gene: PCNT (pericentrin; plus strand). Cytogenetic location: 21q22.3.
Variant type: Duplication.
Coding change: c.3225dup on transcript NM_006031.6 (MANE Select); coding-DNA position 3225, one base duplicated (T; older notation c.3225dupT).
Protein change: p.Gln1076fs; shifts the reading frame from glutamine 1076.
Molecular consequence: frameshift variant.
Genome position (GRCh38, 1-based): chr21:46,381,753, T duplicated; the last of 2 consecutive T bases (chr21:46,381,752-46,381,753); duplicating either gives the same sequence. VCF-style (leftmost placement, unchanged base first): chr21-46381751-C-CT. GRCh37 (hg19) VCF-style: chr21-47801666-C-CT.
Other names: c.2871dup, p.Gln958fs (NM_001315529.2); c.3225dupT (NM_006031.5); short protein forms Q1076fs, Q958fs.
Identifiers: ClinVar variation 2819745 (VCV002819745.4), dbSNP rs2518418341, ClinGen allele CA2739267761.